The following is an entry in ClinVar:

NM_001199138.2(NLRC4):c.984C>G (p.Ser328=)

Gene: NLRC4 (NLR family CARD domain containing 4; minus strand). Cytogenetic location: 2p22.3.
Variant type: single nucleotide variant.
Coding change: c.984C>G on transcript NM_001199138.2 (MANE Select); coding-DNA position 984, C replaced by G.
Protein change: p.Ser328=; no amino-acid change (serine 328 retained).
Molecular consequence: synonymous variant. On other transcripts: intron variant (1).
Genome position (GRCh38, 1-based): chr2:32,250,880, G>C on the plus strand (C>G on the coding strand, the complement: NLRC4 is on the minus strand). VCF-style: chr2-32250880-G-C. GRCh37 (hg19) VCF-style: chr2-32475949-G-C.
Other names: c.984C>G, p.Ser328= (NM_001199139.2, NM_021209.5); c.262+1539C>G (NM_001302504.1).
Identifiers: ClinVar variation 1879464 (VCV001879464.29), dbSNP rs1329165201, ClinGen allele CA425621491.

ClinVar aggregate classification (germline): Likely benign (1 of 4 stars; one submission).

Submission:

CeGaT Center for Human Genetics Tuebingen
Classification: Likely benign. Last evaluated: 2022-11-01. Review status: criteria provided, single submitter. Criteria: CeGaT Center For Human Genetics Tuebingen Variant Classification Criteria Version 2. Collection method: clinical testing. Allele origin: germline. Affected: yes. Observed: 1 variant allele.
Comment: NLRC4: PM2:Supporting, BP4, BP7